The following is an entry in ClinVar:

NC_000009.11:g.(?_37436648)_(37436789_?)del

Gene: GRHPR (glyoxylate and hydroxypyruvate reductase; plus strand). Cytogenetic location: 9p13.2.
Variant type: Deletion.
Identifiers: ClinVar variation 1457953 (VCV001457953.3).

ClinVar aggregate classification (germline): Pathogenic (1 of 4 stars; one submission).

Submission:

Labcorp Genetics (formerly Invitae), Labcorp
Classification: Pathogenic. Last evaluated: 2021-10-14. Review status: criteria provided, single submitter. Criteria: Invitae Variant Classification Sherloc (09022015). Collection method: clinical testing. Allele origin: germline.
Comment: This variant is a gross deletion of the genomic region encompassing exon(s) 9 of the GRHPR gene, which includes the termination codon. This deletion extends beyond the assayed region for this gene and therefore may encompass additional genes. While this deletion is not anticipated to lead to nonsense mediated decay, it is expected to alter mRNA translation or result in a truncated protein product. This variant has not been reported in the literature in individuals affected with GRHPR-related conditions. This variant disrupts a region of the GRHPR protein in which other variant(s) (p.Arg302Cys) have been determined to be pathogenic (PMID: 14635115, 24116921, 31685312; Invitae). This suggests that this is a clinically significant region of the protein, and that variants that disrupt it are likely to be disease-causing. For these reasons, this variant has been classified as Pathogenic.

Literature cited by the submitters: PubMed 14635115; PubMed 24116921; PubMed 31685312.